The following is an entry in ClinVar:

ClinVar aggregate classification (germline): Pathogenic/Likely pathogenic. Review status: criteria provided, multiple submitters, no conflicts (2 of 4 stars). 5 submissions from 5 submitters: Pathogenic (1); Likely pathogenic (3). 1 of the submissions does not count toward it. Last evaluated 2026-10-01.

Conditions:
Hereditary cancer-predisposing syndrome. Also called: Tumor predisposition; Hereditary Cancer Syndrome; Neoplastic Syndromes, Hereditary; Hereditary neoplastic syndrome. Identifiers: Orphanet 140162, MedGen C0027672, MeSH D009386, MONDO:0015356.
Bloom syndrome (BLM). Also called: Bloom-Torre-Machacek syndrome. Identifiers: Orphanet 125, MedGen C0005859, MONDO:0008876, OMIM 210900.

Allele frequency attached by ClinVar (database versions not stated): gnomAD 0.00001; gnomAD exomes 0.00001; ExAC 0.00002.
gnomAD v4.1: 9 of 1,613,838 alleles (0.00056%); highest among the groups gnomAD compares: Non-Finnish European, 0.00051%; no homozygotes.

Submissions (5):

Department of Clinical Genetics, Aarhus University Hospital
Classification: Pathogenic for Bloom syndrome. Last evaluated: 2026-10-01. Review status: criteria provided, single submitter. Criteria: ACMG Guidelines, 2015. Collection method: clinical testing. Allele origin: inherited. Inheritance: Autosomal recessive inheritance. Affected: yes.
Comment: This variant is located in a canonical splice site and predicted by SpliceAI to affect the acceptor loss and donor loss sites surrounding exon 15. Exon 15 skipping is out of frame and will poosible result in NMD. The variant has previously been reported and ClinVar contains an entry for this variant (Variation ID: 371621). According to ACMG guidelines this variant is interpreted as pathogenic (PVS1, PM2_sup, PM3, PP4)

Labcorp Genetics (formerly Invitae), Labcorp
Classification: Likely pathogenic for Bloom syndrome. Last evaluated: 2025-09-05. Review status: criteria provided, single submitter. Criteria: Invitae Variant Classification Sherloc (09022015). Collection method: clinical testing. Allele origin: germline.
Comment: This sequence change affects an acceptor splice site in intron 14 of the BLM gene. It is expected to disrupt RNA splicing. Variants that disrupt the donor or acceptor splice site typically lead to a loss of protein function (PMID: 16199547), and loss-of-function variants in BLM are known to be pathogenic (PMID: 17407155). The frequency data for this variant in the population databases is considered unreliable, as metrics indicate poor data quality at this position in the gnomAD database. Disruption of this splice site has been observed in individual(s) with colorectal cancer (PMID: 28195393). ClinVar contains an entry for this variant (Variation ID: 371621). Algorithms developed to predict the effect of sequence changes on RNA splicing suggest that this variant may disrupt the consensus splice site. In summary, the currently available evidence indicates that the variant is pathogenic, but additional data are needed to prove that conclusively. Therefore, this variant has been classified as Likely Pathogenic.

Natera, Inc.
Classification: Likely pathogenic for Bloom syndrome. Last evaluated: 2024-09-26. Review status: criteria provided, single submitter. Criteria: Natera Variant Classification Schema (03/2026). Collection method: clinical testing. Allele origin: germline.
Comment: The c.2824-2A>T variant in BLM is a canonical splice acceptor site variant predicted to affect pre-mRNA splicing, which may result in an abnormal transcript and altered protein product. This variant is expected to result in nonsense mediated decay, truncation, or a dysfunctional protein product. This variant is rare in the general population with a frequency below the threshold expected for the associated phenotype(s). Given the available evidence, this variant is classified as Likely Pathogenic.

Ambry Genetics
Classification: Likely pathogenic for Hereditary cancer-predisposing syndrome. Last evaluated: 2023-03-15. Review status: criteria provided, single submitter. Criteria: Ambry Variant Classification Scheme 2023. Collection method: clinical testing. Allele origin: germline.
Comment: The c.2824-2A>T intronic variant results from an A to T substitution two nucleotides upstream from coding exon 14 in the BLM gene. This alteration was reported as a likely pathogenic variant detected in one individual from a cohort of individuals with familial colorectal cancer who previously had negative germline testing for the Lynch syndrome genes (Hansen MF et al. Clin. Genet., 2017 Feb). This nucleotide position is highly conserved in available vertebrate species. In silico splice site analysis predicts that this alteration will weaken the native splice acceptor site; however, direct evidence is insufficient at this time (Ambry internal data). Alterations that disrupt the canonical splice site are expected to cause aberrant splicing, resulting in an abnormal protein or a transcript that is subject to nonsense-mediated mRNA decay. As such, this alteration is classified as likely pathogenic.

Counsyl
Classification: Likely pathogenic for Bloom syndrome. Last evaluated: 2016-10-31. Review status: no assertion criteria provided. Collection method: clinical testing. Allele origin: unknown. Not counted in ClinVar's aggregate classification.

Literature cited by the submitters: PubMed 16199547 (cited by Labcorp Genetics (formerly Invitae), Labcorp); PubMed 17407155 (cited by Labcorp Genetics (formerly Invitae), Labcorp); PubMed 28195393 (cited by Labcorp Genetics (formerly Invitae), Labcorp and Ambry Genetics).

NM_000057.4(BLM):c.2824-2A>T

Gene: BLM (BLM RecQ like helicase; plus strand). Cytogenetic location: 15q26.1.
Variant type: single nucleotide variant.
Coding change: c.2824-2A>T on transcript NM_000057.4 (MANE Select); the canonical splice acceptor site of the intron before coding-DNA position 2824, A replaced by T.
Molecular consequence: splice acceptor variant.
Genome position (GRCh38, 1-based): chr15:90,790,647, A>T. VCF-style: chr15-90790647-A-T. GRCh37 (hg19) VCF-style: chr15-91333877-A-T.
Other names: c.2824-2A>T (NM_001287246.2, NM_001287247.2); c.1699-2A>T (NM_001287248.2).
Identifiers: ClinVar variation 371621 (VCV000371621.21), dbSNP rs745538883, ClinGen allele CA7738882.